The following is an entry in ClinVar:

ClinVar aggregate classification (germline): Uncertain significance (1 of 4 stars; one submission).

Conditions:
Duchenne muscular dystrophy (DMD). Also called: MUSCULAR DYSTROPHY, PSEUDOHYPERTROPHIC PROGRESSIVE, DUCHENNE TYPE; Duchenne Muscular Dystrophy (DMD). Identifiers: Orphanet 98896, MedGen C0013264, MONDO:0010679, OMIM 310200.

Submission:

Labcorp Genetics (formerly Invitae), Labcorp
Classification: Uncertain significance for Duchenne muscular dystrophy. Last evaluated: 2024-06-11. Review status: criteria provided, single submitter. Criteria: Invitae Variant Classification Sherloc (09022015). Collection method: clinical testing. Allele origin: germline.
Comment: This sequence change falls in intron 8 of the DMD gene. It does not directly change the encoded amino acid sequence of the DMD protein. Information on the frequency of this variant in the gnomAD database is not available, as this variant may be reported differently in the database. This variant has not been reported in the literature in individuals affected with DMD-related conditions. Experimental studies and prediction algorithms are not available or were not evaluated, and the effect of this variant on mRNA splicing is currently unknown. In summary, the available evidence is currently insufficient to determine the role of this variant in disease. Therefore, it has been classified as a Variant of Uncertain Significance.

NM_004006.3(DMD):c.831+13_831+15delinsTTC

Gene: DMD (dystrophin; minus strand). Cytogenetic location: Xp21.1.
Variant type: Indel.
Coding change: c.831+13_831+15delinsTTC on transcript NM_004006.3 (MANE Select); bases 13 to 15 of the intron after coding-DNA position 831, AAG replaced by TTC.
Molecular consequence: intron variant.
Genome position (GRCh38, 1-based): chrX:32,699,097-32,699,099, CTT replaced by GAA on the plus strand (AAG replaced by TTC on the coding strand, the reverse complement: DMD is on the minus strand). VCF-style: chrX-32699097-CTT-GAA. GRCh37 (hg19) VCF-style: chrX-32717214-CTT-GAA.
Other names: c.807+13_807+15delinsTTC (NM_000109.4); c.819+13_819+15delinsTTC (NM_004009.3); c.462+13_462+15delinsTTC (NM_004010.3).
Identifiers: ClinVar variation 3656238 (VCV003656238.2).